The following is an entry in ClinVar:

NM_000755.5(CRAT):c.1672G>T (p.Ala558Ser)

Gene: CRAT (carnitine O-acetyltransferase; minus strand). Cytogenetic location: 9q34.11.
Variant type: single nucleotide variant.
Coding change: c.1672G>T on transcript NM_000755.5 (MANE Select); coding-DNA position 1672, G replaced by T.
Protein change: p.Ala558Ser; replaces alanine 558 with serine.
Molecular consequence: missense variant.
Genome position (GRCh38, 1-based): chr9:129,095,606, C>A on the plus strand (G>T on the coding strand, the complement: CRAT is on the minus strand). VCF-style: chr9-129095606-C-A. GRCh37 (hg19) VCF-style: chr9-131857885-C-A.
Other names: c.1609G>T, p.Ala537Ser (NM_001257363.3, NM_004003.4); c.1675G>T, p.Ala559Ser (NM_001346546.2); c.1600G>T, p.Ala534Ser (NM_001346547.2); c.1537G>T, p.Ala513Ser (NM_001346548.2); c.1552G>T, p.Ala518Ser (NM_001346549.2); short protein forms A518S, A534S, A559S, A537S, A513S, A558S.
Identifiers: ClinVar variation 1949631 (VCV001949631.5), dbSNP rs1232092516, ClinGen allele CA375139677.

ClinVar aggregate classification (germline): Uncertain significance (1 of 4 stars; one submission).

Submission:

Labcorp Genetics (formerly Invitae), Labcorp
Classification: Uncertain significance. Last evaluated: 2024-10-28. Review status: criteria provided, single submitter. Criteria: Invitae Variant Classification Sherloc (09022015). Collection method: clinical testing. Allele origin: germline.
Comment: This sequence change replaces alanine, which is neutral and non-polar, with serine, which is neutral and polar, at codon 558 of the CRAT protein (p.Ala558Ser). This variant is not present in population databases (gnomAD no frequency). This variant has not been reported in the literature in individuals affected with CRAT-related conditions. ClinVar contains an entry for this variant (Variation ID: 1949631). Invitae Evidence Modeling of protein sequence and biophysical properties (such as structural, functional, and spatial information, amino acid conservation, physicochemical variation, residue mobility, and thermodynamic stability) indicates that this missense variant is not expected to disrupt CRAT protein function with a negative predictive value of 80%. In summary, the available evidence is currently insufficient to determine the role of this variant in disease. Therefore, it has been classified as a Variant of Uncertain Significance.